The following is an entry in ClinVar:

ClinVar aggregate classification (germline): Pathogenic. Review status: criteria provided, multiple submitters, no conflicts (2 of 4 stars). 7 submissions from 7 submitters: Pathogenic (3). 4 of the submissions do not count toward it. Last evaluated 2025-05-08.

Conditions:
Myofibrillar myopathy 5. Also called: Filaminopathy (type); FILAMINOPATHY, AUTOSOMAL DOMINANT. Identifiers: Orphanet 171445, MedGen C1836050, MONDO:0012289, OMIM 609524.
Hypertrophic cardiomyopathy 26. Also called: Cardiomyopathy, familial hypertrophic, 26. Identifiers: Orphanet 75249, MedGen C4310749, MONDO:0014883, OMIM 617047.
Dilated Cardiomyopathy, Dominant.
Distal myopathy with posterior leg and anterior hand involvement. Also called: WILLIAMS DISTAL MYOPATHY. Identifiers: Orphanet 63273, MedGen C3279722, MONDO:0013550, OMIM 614065.

Allele frequency attached by ClinVar (database versions not stated): gnomAD exomes below 0.00001; TOPMed below 0.00001; gnomAD 0.00001.

Submissions (7):

GeneDx
Classification: Pathogenic. Last evaluated: 2025-05-08. Review status: criteria provided, single submitter. Criteria: GeneDx Variant Classification Process June 2021. Collection method: clinical testing. Allele origin: germline. Affected: yes.
Comment: Reported in an individual with dilated cardiomyopathy and in an individual with arrhythmogenic right ventricular cardiomyopathy, but detailed clinical information and familial segregation were not provided (PMID: 32112656, 36788754); Frameshift variant predicted to result in protein truncation or nonsense mediated decay in a gene for which loss-of-function is a known mechanism of disease; Not observed at significant frequency in large population cohorts (gnomAD); This variant is associated with the following publications: (PMID: 36788754, 32112656, 36396199)

Fulgent Genetics
Classification: Pathogenic for Myofibrillar myopathy 5; Distal myopathy with posterior leg and anterior hand involvement; Hypertrophic cardiomyopathy 26. Last evaluated: 2024-03-19. Review status: criteria provided, single submitter. Criteria: ACMG Guidelines, 2015. Collection method: clinical testing. Allele origin: germline.

Labcorp Genetics (formerly Invitae), Labcorp
Classification: Pathogenic for Distal myopathy with posterior leg and anterior hand involvement; Myofibrillar myopathy 5; Hypertrophic cardiomyopathy 26. Last evaluated: 2023-12-26. Review status: criteria provided, single submitter. Criteria: Invitae Variant Classification Sherloc (09022015). Collection method: clinical testing. Allele origin: germline.
Comment: This sequence change creates a premature translational stop signal (p.Asp1061Ilefs*17) in the FLNC gene. It is expected to result in an absent or disrupted protein product. Loss-of-function variants in FLNC are known to be pathogenic (PMID: 27908349). This variant is not present in population databases (gnomAD no frequency). This variant has not been reported in the literature in individuals affected with FLNC-related conditions. ClinVar contains an entry for this variant (Variation ID: 421585). For these reasons, this variant has been classified as Pathogenic.

Clinical Genetics DNA and cytogenetics Diagnostics Lab, Erasmus MC, Erasmus Medical Center
Classification: Pathogenic. Review status: no assertion criteria provided. Collection method: clinical testing. Allele origin: germline. Affected: yes. Study: VKGL Data-share Consensus. Not counted in ClinVar's aggregate classification.

Clinical Genetics, Academic Medical Center
Classification: Pathogenic. Review status: no assertion criteria provided. Collection method: clinical testing. Allele origin: germline. Affected: yes. Study: VKGL Data-share Consensus. Not counted in ClinVar's aggregate classification.

Diagnostic Laboratory, Department of Genetics, University Medical Center Groningen
Classification: Pathogenic. Review status: no assertion criteria provided. Collection method: clinical testing. Allele origin: germline. Affected: yes. Study: VKGL Data-share Consensus. Not counted in ClinVar's aggregate classification.

Joint Genome Diagnostic Labs from Nijmegen and Maastricht, Radboudumc and MUMC+
Classification: Likely pathogenic. Review status: no assertion criteria provided. Collection method: clinical testing. Allele origin: germline. Affected: yes. Study: VKGL Data-share Consensus. Not counted in ClinVar's aggregate classification.

Literature cited by the submitters: PubMed 27908349 (cited by Labcorp Genetics (formerly Invitae), Labcorp).

NM_001458.5(FLNC):c.3180del (p.Asp1061fs)

Gene: FLNC (filamin C; plus strand). Cytogenetic location: 7q32.1.
Variant type: Deletion.
Coding change: c.3180del on transcript NM_001458.5 (MANE Select); coding-DNA position 3180, one base deleted (T; older notation c.3180delT).
Protein change: p.Asp1061fs; shifts the reading frame from aspartic acid 1061.
Molecular consequence: frameshift variant.
Genome position (GRCh38, 1-based): chr7:128,844,254, T deleted. VCF-style (leftmost placement, unchanged base first): chr7-128844253-CT-C. GRCh37 (hg19) VCF-style: chr7-128484307-CT-C.
Other names: c.3180del, p.Asp1061fs (NM_001127487.2); c.3180delT (NM_001458.4); short protein forms D1061fs.
Identifiers: ClinVar variation 421585 (VCV000421585.17), dbSNP rs1064795229, ClinGen allele CA16618352.